The following is an entry in ClinVar:

ClinVar aggregate classification (germline): not provided (0 of 4 stars; one submission).

Allele frequency attached by ClinVar (database versions not stated): gnomAD exomes below 0.00001 and 0.00001; gnomAD 0.00001; TOPMed 0.00001; ExAC 0.00002; ESP Exome Variant Server 0.00008.
gnomAD v4.1: 3 of 1,613,310 alleles (0.00019%); highest among the groups gnomAD compares: Non-Finnish European, 0.00025%; no homozygotes.

Submission:

ITMI
No classification provided. Condition: AllHighlyPenetrant. Last evaluated: 2013-09-19. Review status: no classification provided. Collection method: reference population. Allele origin: germline.
Comment: Please see associated publication for description of ethnicities

Literature cited by the submitters: PubMed 24728327.

NM_014159.7(SETD2):c.6269G>A (p.Arg2090Gln)

Gene: SETD2 (SET domain containing 2, histone lysine methyltransferase; minus strand). Cytogenetic location: 3p21.31.
Variant type: single nucleotide variant.
Coding change: c.6269G>A on transcript NM_014159.7 (MANE Select); coding-DNA position 6269, G replaced by A.
Protein change: p.Arg2090Gln; replaces arginine 2090 with glutamine.
Molecular consequence: missense variant. On other transcripts: non-coding transcript variant (1).
Genome position (GRCh38, 1-based): chr3:47,062,187, C>T on the plus strand (G>A on the coding strand, the complement: SETD2 is on the minus strand). VCF-style: chr3-47062187-C-T. GRCh37 (hg19) VCF-style: chr3-47103677-C-T.
Other names: c.6137G>A, p.Arg2046Gln (NM_001349370.3); short protein forms R2090Q, R2046Q.
Identifiers: ClinVar variation 135206 (VCV000135206.1), dbSNP rs149758106, ClinGen allele CA162011.
Genomic context (GRCh38, chr3:47,062,187, plus strand): 5'-AAAACAAAAACAAAAAAACTCACACAGGCCACTTACCTGTCATCTGGCCTTTTTGTTCCC[C>T]GCTCATAGGCAGAAGAGGGTGGTGAGAGGGAGCTTCTTCGTTTCCTTTTCTCTTTATTTT-3'
Protein context (NP_054878.5, residues 2080-2100): SLSPPSSAYE[Arg2090Gln]GTKRPDDRYD